The following is an entry in ClinVar:

ClinVar aggregate classification (germline): Likely pathogenic (1 of 4 stars; one submission).

Conditions:
T-B+ severe combined immunodeficiency due to JAK3 deficiency. Also called: SCID, T CELL-NEGATIVE, B CELL-POSITIVE, NK CELL-NEGATIVE; SCID, autosomal recessive, T-negative/B-positive type. Identifiers: Orphanet 35078, MedGen C1833275, MONDO:0010938, OMIM 600802.

Allele frequency attached by ClinVar (database versions not stated): gnomAD exomes below 0.00001.
gnomAD v4.1: 1 of 1,581,104 alleles (0.000063%); highest among the groups gnomAD compares: Non-Finnish European, 0.000086%; no homozygotes.

Submission:

Labcorp Genetics (formerly Invitae), Labcorp
Classification: Likely pathogenic for T-B+ severe combined immunodeficiency due to JAK3 deficiency. Last evaluated: 2023-06-20. Review status: criteria provided, single submitter. Criteria: Invitae Variant Classification Sherloc (09022015). Collection method: clinical testing. Allele origin: germline.
Comment: Algorithms developed to predict the effect of sequence changes on RNA splicing suggest that this variant may disrupt the consensus splice site. In summary, the currently available evidence indicates that the variant is pathogenic, but additional data are needed to prove that conclusively. Therefore, this variant has been classified as Likely Pathogenic. This variant has not been reported in the literature in individuals affected with JAK3-related conditions. This variant is not present in population databases (gnomAD no frequency). This sequence change affects a donor splice site in intron 4 of the JAK3 gene. It is expected to disrupt RNA splicing. Variants that disrupt the donor or acceptor splice site typically lead to a loss of protein function (PMID: 16199547), and loss-of-function variants in JAK3 are known to be pathogenic (PMID: 7481768, 11668621).

Literature cited by the submitters: PubMed 16199547; PubMed 7481768; PubMed 11668621.

NM_000215.4(JAK3):c.420+2T>C

Gene: JAK3 (Janus kinase 3; minus strand). Cytogenetic location: 19p13.11.
Variant type: single nucleotide variant.
Coding change: c.420+2T>C on transcript NM_000215.4 (MANE Select); the canonical splice donor site of the intron after coding-DNA position 420, T replaced by C.
Molecular consequence: splice donor variant.
Genome position (GRCh38, 1-based): chr19:17,843,378, A>G on the plus strand (T>C on the coding strand, the complement: JAK3 is on the minus strand). VCF-style: chr19-17843378-A-G. GRCh37 (hg19) VCF-style: chr19-17954187-A-G.
Identifiers: ClinVar variation 2719869 (VCV002719869.3), dbSNP rs2514579231, ClinGen allele CA404773486.